The following is an entry in ClinVar:

ClinVar aggregate classification (germline): Uncertain significance (1 of 4 stars; one submission).

Allele frequency attached by ClinVar (database versions not stated): gnomAD exomes below 0.00001; gnomAD 0.00001; TOPMed 0.00001.
gnomAD v4.1: 3 of 1,613,788 alleles (0.00019%); highest among the groups gnomAD compares: African/African-American, 0.0013%; no homozygotes.

Submission:

CeGaT Center for Human Genetics Tuebingen
Classification: Uncertain significance. Last evaluated: 2022-06-01. Review status: criteria provided, single submitter. Criteria: CeGaT Center For Human Genetics Tuebingen Variant Classification Criteria Version 2. Collection method: clinical testing. Allele origin: germline. Affected: yes. Observed: 1 variant allele.
Comment: POLR1B: PM2

NM_019014.6(POLR1B):c.148G>A (p.Val50Met)

Gene: POLR1B (RNA polymerase I subunit B; plus strand). Cytogenetic location: 2q14.1.
Variant type: single nucleotide variant.
Coding change: c.148G>A on transcript NM_019014.6 (MANE Select); coding-DNA position 148, G replaced by A.
Protein change: p.Val50Met; replaces valine 50 with methionine.
Molecular consequence: missense variant. On other transcripts: 5 prime UTR variant (5).
Genome position (GRCh38, 1-based): chr2:112,542,642, G>A. VCF-style: chr2-112542642-G-A. GRCh37 (hg19) VCF-style: chr2-113300219-G-A.
Other names: c.148G>A, p.Val50Met (NM_001137604.3, NM_001282774.2, NM_001371969.1 and 1 more transcripts); c.262G>A, p.Val88Met (NM_001282772.2); c.-38G>A (NM_001282776.2); c.-362G>A (NM_001282777.2); c.-199G>A (NM_001282779.2); c.-528G>A (NM_001371970.1); c.-353G>A (NM_001371971.1); short protein forms V50M, V88M.
Identifiers: ClinVar variation 2651279 (VCV002651279.24), dbSNP rs1682817325, ClinGen allele CA348262637.